The following is an entry in ClinVar:

ClinVar aggregate classification (germline): Uncertain significance (1 of 4 stars; one submission).

Conditions:
Inborn genetic diseases. Identifiers: MedGen C0950123, MeSH D030342.

Submission:

Ambry Genetics
Classification: Uncertain significance for Inborn genetic diseases. Last evaluated: 2025-05-07. Review status: criteria provided, single submitter. Criteria: Ambry Variant Classification Scheme 2023. Collection method: clinical testing. Allele origin: germline.
Comment: The p.K420R variant (also known as c.1259A>G), located in coding exon 9 of the DNMT3A gene, results from an A to G substitution at nucleotide position 1259. The lysine at codon 420 is replaced by arginine, an amino acid with highly similar properties. This amino acid position is conserved. In addition, the in silico prediction for this alteration is inconclusive. Based on the available evidence, the clinical significance of this variant remains unclear.

NM_022552.5(DNMT3A):c.1259A>G (p.Lys420Arg)

Gene: DNMT3A (DNA methyltransferase 3 alpha; minus strand). Cytogenetic location: 2p23.3.
Variant type: single nucleotide variant.
Coding change: c.1259A>G on transcript NM_022552.5 (MANE Select); coding-DNA position 1259, A replaced by G.
Protein change: p.Lys420Arg; replaces lysine 420 with arginine.
Molecular consequence: missense variant. On other transcripts: non-coding transcript variant (1).
Genome position (GRCh38, 1-based): chr2:25,246,640, T>C on the plus strand (A>G on the coding strand, the complement: DNMT3A is on the minus strand). VCF-style: chr2-25246640-T-C. GRCh37 (hg19) VCF-style: chr2-25469509-T-C.
Other names: c.803A>G, p.Lys268Arg (NM_001320893.1); c.590A>G, p.Lys197Arg (NM_001375819.1); c.692A>G, p.Lys231Arg (NM_153759.3); c.1259A>G, p.Lys420Arg (NM_175629.2); short protein forms K231R, K197R, K268R, K420R.
Identifiers: ClinVar variation 4013924 (VCV004013924.1).